The following is an entry in ClinVar:

ClinVar aggregate classification (germline): Benign/Likely benign. Review status: criteria provided, multiple submitters, no conflicts (2 of 4 stars). 3 submissions from 3 submitters: Benign (1); Likely benign (2). Last evaluated 2025-10-30.

Conditions:
Tuberous sclerosis 2 (TSC2). Identifiers: Orphanet 805, MedGen C1860707, MONDO:0013199, OMIM 613254.
Hereditary cancer-predisposing syndrome. Also called: Hereditary neoplastic syndrome; Tumor predisposition; Neoplastic Syndromes, Hereditary; Hereditary Cancer Syndrome. Identifiers: Orphanet 140162, MedGen C0027672, MeSH D009386, MONDO:0015356.

Submissions (3):

Labcorp Genetics (formerly Invitae), Labcorp
Classification: Likely benign for Tuberous sclerosis 2. Last evaluated: 2025-10-30. Review status: criteria provided, single submitter. Criteria: Invitae Variant Classification Sherloc (09022015). Collection method: clinical testing. Allele origin: germline.

Myriad Genetics, Inc.
Classification: Benign for Tuberous sclerosis 2. Last evaluated: 2025-05-13. Review status: criteria provided, single submitter. Criteria: Myriad Autosomal Dominant, Autosomal Recessive and X-Linked Classification Criteria (2023). Collection method: clinical testing. Allele origin: unknown.
Comment: This variant is considered benign. This variant is a silent/synonymous amino acid change and it is not expected to impact splicing.

Ambry Genetics
Classification: Likely benign for Hereditary cancer-predisposing syndrome. Last evaluated: 2022-11-04. Review status: criteria provided, single submitter. Criteria: Ambry Variant Classification Scheme 2023. Collection method: clinical testing. Allele origin: germline.

NM_000548.5(TSC2):c.1356C>T (p.Phe452=)

Gene: TSC2 (TSC complex subunit 2; plus strand). Cytogenetic location: 16p13.3.
Variant type: single nucleotide variant.
Coding change: c.1356C>T on transcript NM_000548.5 (MANE Select); coding-DNA position 1356, C replaced by T.
Protein change: p.Phe452=; no amino-acid change (phenylalanine 452 retained).
Molecular consequence: synonymous variant. On other transcripts: 5 prime UTR variant (1), non-coding transcript variant (5).
Genome position (GRCh38, 1-based): chr16:2,062,595, C>T. VCF-style: chr16-2062595-C-T. GRCh37 (hg19) VCF-style: chr16-2112596-C-T.
Other names: c.1356C>T, p.Phe452= (NM_001077183.3, NM_001114382.3, NM_001363528.2 and 6 more transcripts); c.1245C>T, p.Phe415= (NM_001318827.2, NM_001406670.1, NM_001406678.1); c.1209C>T, p.Phe403= (NM_001318829.2, NM_001406675.1, NM_001406676.1 and 1 more transcripts); c.756C>T, p.Phe252= (NM_001318831.2, NM_001406680.1, NM_001406682.1 and 6 more transcripts); c.1389C>T, p.Phe463= (NM_001318832.2); c.1446C>T, p.Phe482= (NM_001406667.1, NM_001406668.1); c.1344C>T, p.Phe448= (NM_001406671.1, NM_001406673.1); c.1299C>T, p.Phe433= (NM_001406677.1); and 3 more.
Identifiers: ClinVar variation 2455125 (VCV002455125.5), dbSNP rs769147552, ClinGen allele CA492962521.